The following is an entry in ClinVar:

ClinVar aggregate classification (germline): Uncertain significance. Review status: criteria provided, multiple submitters, no conflicts (2 of 4 stars). 2 submissions from 2 submitters: Uncertain significance (2). Last evaluated 2024-11-26.

Conditions:
SEMA3F-related disorder. Also called: SEMA3F-related condition.

Allele frequency attached by ClinVar (database versions not stated): gnomAD 0.00003.
gnomAD v4.1: 40 of 1,613,056 alleles (0.0025%); highest among the groups gnomAD compares: Admixed American, 0.0033%; no homozygotes.

Submissions (2):

PreventionGenetics, part of Exact Sciences
Classification: Uncertain significance for SEMA3F-related condition. Last evaluated: 2024-11-26. Review status: criteria provided, single submitter. Criteria: ACMG Guidelines, 2015. Collection method: clinical testing. Allele origin: germline.
Comment: The SEMA3F c.1459C>T variant is predicted to result in the amino acid substitution p.Arg487Cys. To our knowledge, this variant has not been reported in the literature. This variant is reported in 0.0057% of alleles in individuals of Latino descent in gnomAD. At this time, the clinical significance of this variant is uncertain due to the absence of conclusive functional and genetic evidence.

Ambry Genetics
Classification: Uncertain significance. Last evaluated: 2023-12-30. Review status: criteria provided, single submitter. Criteria: Ambry Variant Classification Scheme 2023. Collection method: clinical testing. Allele origin: germline.

NM_004186.5(SEMA3F):c.1459C>T (p.Arg487Cys)

Gene: SEMA3F (semaphorin 3F; plus strand). Cytogenetic location: 3p21.31.
Variant type: single nucleotide variant.
Coding change: c.1459C>T on transcript NM_004186.5 (MANE Select); coding-DNA position 1459, C replaced by T.
Protein change: p.Arg487Cys; replaces arginine 487 with cysteine.
Molecular consequence: missense variant.
Genome position (GRCh38, 1-based): chr3:50,185,445, C>T. VCF-style: chr3-50185445-C-T. GRCh37 (hg19) VCF-style: chr3-50222878-C-T.
Other names: c.1162C>T, p.Arg388Cys (NM_001318798.2); c.1366C>T, p.Arg456Cys (NM_001318800.2); c.1459C>T (NM_004186.4); short protein forms R456C, R487C, R388C.
Identifiers: ClinVar variation 3159729 (VCV003159729.2), dbSNP rs755217152, ClinGen allele CA2412122.